The following is an entry in ClinVar:

NM_022051.3(EGLN1):c.872A>G (p.Lys291Arg)

Genes: EGLN1 (egl-9 family hypoxia inducible factor 1; minus strand), LOC129932769 (ATAC-STARR-seq lymphoblastoid active region 2730; plus strand). Cytogenetic location: 1q42.2.
Variant type: single nucleotide variant.
Coding change: c.872A>G on transcript NM_022051.3 (MANE Select); coding-DNA position 872, A replaced by G.
Protein change: p.Lys291Arg; replaces lysine 291 with arginine.
Molecular consequence: missense variant.
Genome position (GRCh38, 1-based): chr1:231,421,017, T>C on the plus strand (A>G on the coding strand, the complement: EGLN1 is on the minus strand). VCF-style: chr1-231421017-T-C. GRCh37 (hg19) VCF-style: chr1-231556763-T-C.
Other names: c.872A>G, p.Lys291Arg (NM_001377260.1, NM_001377261.1); short protein forms K291R.
Identifiers: ClinVar variation 936285 (VCV000936285.10), dbSNP rs1656572784, ClinGen allele CA345234844.

ClinVar aggregate classification (germline): Uncertain significance. Review status: criteria provided, multiple submitters, no conflicts (2 of 4 stars). 3 submissions from 3 submitters: Uncertain significance (3). Last evaluated 2025-12-29.

Conditions:
Erythrocytosis, familial, 3 (ECYT3). Identifiers: Orphanet 247511, MedGen C1853286, MONDO:0012353, OMIM 609820.

gnomAD v4.1: 10 of 1,613,892 alleles (0.00062%); highest among the groups gnomAD compares: Non-Finnish European, 0.00085%; no homozygotes.

Submissions (3):

Center for Genomic Medicine, Rigshospitalet, Copenhagen University Hospital
Classification: Uncertain significance. Last evaluated: 2025-12-29. Review status: criteria provided, single submitter. Criteria: ACMG Guidelines, 2015. Collection method: clinical testing. Allele origin: germline.

Ambry Genetics
Classification: Uncertain significance. Last evaluated: 2022-03-07. Review status: criteria provided, single submitter. Criteria: Ambry Variant Classification Scheme 2023. Collection method: clinical testing. Allele origin: germline.
Comment: The p.K291R variant (also known as c.872A>G), located in coding exon 1 of the EGLN1 gene, results from an A to G substitution at nucleotide position 872. The lysine at codon 291 is replaced by arginine, an amino acid with highly similar properties. This amino acid position is not well conserved in available vertebrate species. In addition, this alteration is predicted to be tolerated by in silico analysis. Since supporting evidence is limited at this time, the clinical significance of this alteration remains unclear.

Labcorp Genetics (formerly Invitae), Labcorp
Classification: Uncertain significance for Erythrocytosis, familial, 3. Last evaluated: 2019-06-09. Review status: criteria provided, single submitter. Criteria: Invitae Variant Classification Sherloc (09022015). Collection method: clinical testing. Allele origin: germline.
Comment: In summary, the available evidence is currently insufficient to determine the role of this variant in disease. Therefore, it has been classified as a Variant of Uncertain Significance. Algorithms developed to predict the effect of missense changes on protein structure and function output the following: SIFT: "Tolerated"; PolyPhen-2: "Benign"; Align-GVGD: "Class C0". The arginine amino acid residue is found in multiple mammalian species, suggesting that this missense change does not adversely affect protein function. These predictions have not been confirmed by published functional studies and their clinical significance is uncertain. This variant has not been reported in the literature in individuals with EGLN1-related conditions. This variant is not present in population databases (ExAC no frequency). This sequence change replaces lysine with arginine at codon 291 of the EGLN1 protein (p.Lys291Arg). The lysine residue is weakly conserved and there is a small physicochemical difference between lysine and arginine.